The following is an entry in ClinVar:

ClinVar aggregate classification (germline): Uncertain significance (1 of 4 stars; one submission).

Conditions:
Hereditary pancreatitis (PCTT). Also called: PRSS1-Related Hereditary Pancreatitis; Hereditary chronic pancreatitis. Identifiers: Orphanet 676, MedGen C0238339, MONDO:0008185, OMIM 167800.

Submission:

Ambry Genetics
Classification: Uncertain significance for Hereditary pancreatitis. Last evaluated: 2022-09-25. Review status: criteria provided, single submitter. Criteria: Ambry Variant Classification Scheme 2023. Collection method: clinical testing. Allele origin: germline.
Comment: The p.K76N variant (also known as c.228G>C), located in coding exon 3 of the CPA1 gene, results from a G to C substitution at nucleotide position 228. The lysine at codon 76 is replaced by asparagine, an amino acid with similar properties. This amino acid position is conserved. In addition, this alteration is predicted to be tolerated by in silico analysis. Since supporting evidence is limited at this time, the clinical significance of this alteration remains unclear.

NM_001868.4(CPA1):c.228G>C (p.Lys76Asn)

Gene: CPA1 (carboxypeptidase A1; plus strand). Cytogenetic location: 7q32.2.
Variant type: single nucleotide variant.
Coding change: c.228G>C on transcript NM_001868.4 (MANE Select); coding-DNA position 228, G replaced by C.
Protein change: p.Lys76Asn; replaces lysine 76 with asparagine.
Molecular consequence: missense variant.
Genome position (GRCh38, 1-based): chr7:130,381,710, G>C. VCF-style: chr7-130381710-G-C. GRCh37 (hg19) VCF-style: chr7-130021551-G-C.
Other names: short protein forms K76N.
Identifiers: ClinVar variation 1789083 (VCV001789083.2), dbSNP rs1796407175, ClinGen allele CA369279891.